The following is an entry in ClinVar:

NM_000642.3(AGL):c.223G>A (p.Asp75Asn)

Gene: AGL (amylo-alpha-1,6-glucosidase and 4-alpha-glucanotransferase; plus strand). Cytogenetic location: 1p21.2.
Variant type: single nucleotide variant.
Coding change: c.223G>A on transcript NM_000642.3 (MANE Select); coding-DNA position 223, G replaced by A.
Protein change: p.Asp75Asn; replaces aspartic acid 75 with asparagine.
Molecular consequence: missense variant.
Genome position (GRCh38, 1-based): chr1:99,861,643, G>A. VCF-style: chr1-99861643-G-A. GRCh37 (hg19) VCF-style: chr1-100327199-G-A.
Other names: c.223G>A, p.Asp75Asn (NM_000028.3, NM_000643.3, NM_000644.3 and 5 more transcripts); c.175G>A, p.Asp59Asn (NM_000646.3); short protein forms D59N, D75N.
Identifiers: ClinVar variation 937291 (VCV000937291.10), dbSNP rs1650046049, ClinGen allele CA341329566.
Genomic context (GRCh38, chr1:99,861,643, plus strand): 5'-GAAACATTTAATAGAGAAAAATTCCGTTCTCTGGATTGGGAAAATCCAACAGAAAGAGAA[G>A]ATGATTCTGATAAATACTGTAAACTTAATCTGCAACAATCTGGTTCATTTCAGTATTATT-3'
Protein context (NP_000633.2, residues 65-85): LDWENPTERE[Asp75Asn]DSDKYCKLNL

ClinVar aggregate classification (germline): Uncertain significance (1 of 4 stars; one submission).

Conditions:
Glycogen storage disease type III (GSD3). Also called: Cori disease; FORBES DISEASE. Identifiers: Orphanet 366, MedGen C0017922, MONDO:0009291, OMIM 232400.

Submission:

Labcorp Genetics (formerly Invitae), Labcorp
Classification: Uncertain significance for Glycogen storage disease type III. Last evaluated: 2022-08-12. Review status: criteria provided, single submitter. Criteria: Invitae Variant Classification Sherloc (09022015). Collection method: clinical testing. Allele origin: germline.
Comment: This sequence change replaces aspartic acid, which is acidic and polar, with asparagine, which is neutral and polar, at codon 75 of the AGL protein (p.Asp75Asn). This variant is not present in population databases (gnomAD no frequency). In summary, the available evidence is currently insufficient to determine the role of this variant in disease. Therefore, it has been classified as a Variant of Uncertain Significance. Algorithms developed to predict the effect of missense changes on protein structure and function (SIFT, PolyPhen-2, Align-GVGD) all suggest that this variant is likely to be tolerated. ClinVar contains an entry for this variant (Variation ID: 937291). This variant has not been reported in the literature in individuals affected with AGL-related conditions.